The following is an entry in ClinVar:

NM_001173467.3(SP7):c.*4G>A

Gene: SP7 (Sp7 transcription factor; minus strand). Cytogenetic location: 12q13.13.
Variant type: single nucleotide variant.
Coding change: c.*4G>A on transcript NM_001173467.3 (MANE Select); 4 bases downstream of the stop codon, G replaced by A.
Molecular consequence: 3 prime UTR variant.
Genome position (GRCh38, 1-based): chr12:53,328,142, C>T on the plus strand (G>A on the coding strand, the complement: SP7 is on the minus strand). VCF-style: chr12-53328142-C-T. GRCh37 (hg19) VCF-style: chr12-53721926-C-T.
Other names: c.*4G>A (NM_001300837.2, NM_152860.2).
Identifiers: ClinVar variation 284957 (VCV000284957.6), dbSNP rs115168998, ClinGen allele CA6599415.
Genomic context (GRCh38, chr12:53,328,142, plus strand): 5'-AGTGGTCTAGAGAGCCAAGAGAGACTGTCAGGGCAGCCCTGGGGTGGGAGACCTTCCACC[C>T]GGCTCAGATCTCCAGCAAGTTGCTCTGCTCAGGGCTGCCTCCAGGGGCTTTCTCTGGGGT-3'

ClinVar aggregate classification (germline): Benign/Likely benign. Review status: criteria provided, multiple submitters, no conflicts (2 of 4 stars). 2 submissions from 2 submitters: Benign (1); Likely benign (1). Last evaluated 2025-11-27.

Allele frequency attached by ClinVar (database versions not stated): ESP Exome Variant Server 0.00363; 1000 Genomes Project 30x 0.00718; 1000 Genomes Project 0.00739; TOPMed 0.00593.
gnomAD v4.1: 1,639 of 1,605,024 alleles (0.1%); highest among the groups gnomAD compares: African/African-American, 1.9%; 14 homozygotes.

Submissions (2):

Mayo Clinic Laboratories, Mayo Clinic
Classification: Likely benign. Last evaluated: 2025-11-27. Review status: criteria provided, single submitter. Criteria: ACMG Guidelines, 2015. Collection method: clinical testing. Allele origin: germline. Observed: 1 variant allele.
Comment: BS1, BP4, BP7

Eurofins Ntd Llc (ga)
Classification: Benign. Last evaluated: 2015-11-25. Review status: criteria provided, single submitter. Criteria: EGL Classification Definitions 2015. Collection method: clinical testing. Allele origin: germline. Observed: 1 variant allele, 1 heterozygote.